The following is an entry in ClinVar:

NM_021096.4(CACNA1I):c.897C>T (p.Asp299=)

Gene: CACNA1I (calcium voltage-gated channel subunit alpha1 I; plus strand). Cytogenetic location: 22q13.1.
Variant type: single nucleotide variant.
Coding change: c.897C>T on transcript NM_021096.4 (MANE Select); coding-DNA position 897, C replaced by T.
Protein change: p.Asp299=; no amino-acid change (aspartic acid 299 retained).
Molecular consequence: synonymous variant.
Genome position (GRCh38, 1-based): chr22:39,641,023, C>T. VCF-style: chr22-39641023-C-T. GRCh37 (hg19) VCF-style: chr22-40037028-C-T.
Other names: c.897C>T, p.Asp299= (NM_001003406.2); c.897C>T (NM_021096.3).
Identifiers: ClinVar variation 2653150 (VCV002653150.25), dbSNP rs371381957, ClinGen allele CA10243719.

ClinVar aggregate classification (germline): Likely benign. Review status: criteria provided, single submitter (1 of 4 stars). 2 submissions from 2 submitters: Likely benign (1). 1 of the submissions does not count toward it. Last evaluated 2023-06-01.

Conditions:
CACNA1I-related disorder. Also called: CACNA1I-related condition.

Allele frequency attached by ClinVar (database versions not stated): gnomAD 0.00003; TOPMed 0.00005; ExAC 0.00007; gnomAD exomes 0.00007; ESP Exome Variant Server 0.00016.
gnomAD v4.1: 111 of 1,613,926 alleles (0.0069%); highest among the groups gnomAD compares: Non-Finnish European, 0.0082%; no homozygotes.

Submissions (2):

CeGaT Center for Human Genetics Tuebingen
Classification: Likely benign. Last evaluated: 2023-06-01. Review status: criteria provided, single submitter. Criteria: CeGaT Center For Human Genetics Tuebingen Variant Classification Criteria Version 2. Collection method: clinical testing. Allele origin: germline. Affected: yes. Observed: 1 variant allele.
Comment: CACNA1I: BP4, BP7

PreventionGenetics, part of Exact Sciences
Classification: Likely benign for CACNA1I-related condition. Last evaluated: 2019-05-16. Review status: no assertion criteria provided. Collection method: clinical testing. Allele origin: germline. Not counted in ClinVar's aggregate classification.
Comment: This variant is classified as likely benign based on ACMG/AMP sequence variant interpretation guidelines (Richards et al. 2015 PMID: 25741868, with internal and published modifications).